The following is an entry in ClinVar:

ClinVar aggregate classification (germline): Conflicting classifications of pathogenicity. Review status: criteria provided, conflicting classifications (1 of 4 stars). 4 submissions from 4 submitters: Uncertain significance (2); Likely benign (2). Last evaluated 2026-10-07.

Conditions:
Inborn genetic diseases. Identifiers: MedGen C0950123, MeSH D030342.
Osteogenesis imperfecta type 8 (OI8). Identifiers: MedGen C1970458, MONDO:0012581, OMIM 610915.

Allele frequency attached by ClinVar (database versions not stated): gnomAD exomes 0.00006 and 0.00016; ExAC 0.00031; TOPMed 0.00070; 1000 Genomes Project 0.00140; gnomAD 0.00065 and 0.00068; 1000 Genomes Project 30x 0.00125.
gnomAD v4.1: 190 of 1,556,588 alleles (0.012%); highest among the groups gnomAD compares: African/African-American, 0.22%; no homozygotes.

Submissions (4):

GeneDx
Classification: Uncertain significance. Last evaluated: 2026-10-07. Review status: criteria provided, single submitter. Criteria: GeneDx Variant Classification Process June 2021. Collection method: clinical testing. Allele origin: germline.
Comment: In silico analysis suggests that this missense variant does not alter protein structure/function; Has not been previously published as pathogenic or benign to our knowledge

Labcorp Genetics (formerly Invitae), Labcorp
Classification: Likely benign for Osteogenesis imperfecta type 8. Last evaluated: 2026-01-14. Review status: criteria provided, single submitter. Criteria: Invitae Variant Classification Sherloc (09022015). Collection method: clinical testing. Allele origin: germline.

Ambry Genetics
Classification: Uncertain significance for Inborn genetic diseases. Last evaluated: 2025-01-16. Review status: criteria provided, single submitter. Criteria: Ambry Variant Classification Scheme 2023. Collection method: clinical testing. Allele origin: germline.

Women's Health and Genetics/Laboratory Corporation of America, LabCorp
Classification: Likely benign. Last evaluated: 2023-08-09. Review status: criteria provided, single submitter. Criteria: LabCorp Variant Classification Summary - May 2015. Collection method: clinical testing. Allele origin: germline.
Comment: Variant summary: P3H1 c.2147G>C (p.Gly716Ala) results in a non-conservative amino acid change in the encoded protein sequence. Four of five in-silico tools predict a benign effect of the variant on protein function. The variant allele was found at a frequency of 0.00016 in 163752 control chromosomes, predominantly at a frequency of 0.0024 within the African or African-American subpopulation in the gnomAD database. The observed variant frequency within African or African-American control individuals in the gnomAD database is approximately 2.15 fold of the estimated maximal expected allele frequency for a pathogenic variant in P3H1 causing Osteogenesis Imperfecta phenotype (0.0011), strongly suggesting that the variant is a benign polymorphism found primarily in populations of African or African-American origin. To our knowledge, no occurrence of c.2147G>C in individuals affected with Osteogenesis Imperfecta and no experimental evidence demonstrating its impact on protein function have been reported. Two submitters have reported clinical-significance assessments for this variant to ClinVar after 2014. One submitter classified the variant as likely benign, and one submitter classified the variant as uncertain significance. Based on the evidence outlined above, the variant was classified as likely benign.

NM_022356.4(P3H1):c.2147G>C (p.Gly716Ala)

Gene: P3H1 (prolyl 3-hydroxylase 1; minus strand). Cytogenetic location: 1p34.2.
Variant type: single nucleotide variant.
Coding change: c.2147G>C on transcript NM_022356.4 (MANE Select); coding-DNA position 2147, G replaced by C.
Protein change: p.Gly716Ala; replaces glycine 716 with alanine.
Molecular consequence: missense variant. On other transcripts: 3 prime UTR variant (2).
Genome position (GRCh38, 1-based): chr1:42,746,761, C>G on the plus strand (G>C on the coding strand, the complement: P3H1 is on the minus strand). VCF-style: chr1-42746761-C-G. GRCh37 (hg19) VCF-style: chr1-43212432-C-G.
Other names: c.*72G>C (NM_001146289.2); c.*151G>C (NM_001243246.2); short protein forms G716A.
Identifiers: ClinVar variation 468981 (VCV000468981.17), dbSNP rs573577299, ClinGen allele CA801513.